The following is an entry in ClinVar:

ClinVar aggregate classification (germline): Uncertain significance. Review status: criteria provided, multiple submitters, no conflicts (2 of 4 stars). 4 submissions from 4 submitters: Uncertain significance (4). Last evaluated 2026-01-04.

Conditions:
Aortic aneurysm, familial thoracic 7 (AAT7). Also called: AORTIC DISSECTION, FAMILIAL, WITH OR WITHOUT AORTIC ANEURYSM. Identifiers: MedGen C3151077, MONDO:0013418, OMIM 613780.
Megacystis-microcolon-intestinal hypoperistalsis syndrome 1. Identifiers: MedGen C5542316, MONDO:0100354, OMIM 249210.
Familial thoracic aortic aneurysm and aortic dissection (TAAD). Also called: Thoracic aortic aneurysms and dissections. Identifiers: Orphanet 91387, MedGen C4707243, MONDO:0019625.

Allele frequency attached by ClinVar (database versions not stated): gnomAD 0.00004; TOPMed 0.00004; ESP Exome Variant Server 0.00008.
gnomAD v4.1: 29 of 1,614,026 alleles (0.0018%); highest among the groups gnomAD compares: Middle Eastern, 0.016%; no homozygotes.

Submissions (4):

Labcorp Genetics (formerly Invitae), Labcorp
Classification: Uncertain significance for Aortic aneurysm, familial thoracic 7. Last evaluated: 2026-01-04. Review status: criteria provided, single submitter. Criteria: Invitae Variant Classification Sherloc (09022015). Collection method: clinical testing. Allele origin: germline.
Comment: This sequence change replaces arginine, which is basic and polar, with glutamine, which is neutral and polar, at codon 931 of the MYLK protein (p.Arg931Gln). This variant is present in population databases (rs371418382, gnomAD 0.008%). This variant has not been reported in the literature in individuals affected with MYLK-related conditions. ClinVar contains an entry for this variant (Variation ID: 1315987). Invitae Evidence Modeling of protein sequence and biophysical properties (such as structural, functional, and spatial information, amino acid conservation, physicochemical variation, residue mobility, and thermodynamic stability) indicates that this missense variant is not expected to disrupt MYLK protein function with a negative predictive value of 80%. In summary, the available evidence is currently insufficient to determine the role of this variant in disease. Therefore, it has been classified as a Variant of Uncertain Significance.

Ambry Genetics
Classification: Uncertain significance for Familial thoracic aortic aneurysm and aortic dissection. Last evaluated: 2025-09-10. Review status: criteria provided, single submitter. Criteria: Ambry Variant Classification Scheme 2023. Collection method: clinical testing. Allele origin: germline.
Comment: The p.R931Q variant (also known as c.2792G>A), located in coding exon 15 of the MYLK gene, results from a G to A substitution at nucleotide position 2792. The arginine at codon 931 is replaced by glutamine, an amino acid with highly similar properties. This amino acid position is well conserved in available vertebrate species. In addition, this alteration is predicted to be tolerated by in silico analysis. Based on the available evidence, the clinical significance of this variant remains unclear.

GeneDx
Classification: Uncertain significance. Last evaluated: 2021-11-15. Review status: criteria provided, single submitter. Criteria: GeneDx Variant Classification Process June 2021. Collection method: clinical testing. Allele origin: germline. Affected: yes.
Comment: Has not been previously published as pathogenic or benign to our knowledge; In silico analysis supports that this missense variant does not alter protein structure/function

Fulgent Genetics
Classification: Uncertain significance for Megacystis-microcolon-intestinal hypoperistalsis syndrome 1; Aortic aneurysm, familial thoracic 7. Last evaluated: 2021-09-17. Review status: criteria provided, single submitter. Criteria: ACMG Guidelines, 2015. Collection method: clinical testing. Allele origin: unknown.

NM_053025.4(MYLK):c.2792G>A (p.Arg931Gln)

Gene: MYLK (myosin light chain kinase; minus strand). Cytogenetic location: 3q21.1.
Variant type: single nucleotide variant.
Coding change: c.2792G>A on transcript NM_053025.4 (MANE Select); coding-DNA position 2792, G replaced by A.
Protein change: p.Arg931Gln; replaces arginine 931 with glutamine.
Molecular consequence: missense variant.
Genome position (GRCh38, 1-based): chr3:123,700,676, C>T on the plus strand (G>A on the coding strand, the complement: MYLK is on the minus strand). VCF-style: chr3-123700676-C-T. GRCh37 (hg19) VCF-style: chr3-123419523-C-T.
Other names: c.2264G>A, p.Arg755Gln (NM_001321309.2); c.2585G>A, p.Arg862Gln (NM_053026.4, NM_053028.4); c.2792G>A, p.Arg931Gln (NM_053027.4); short protein forms R755Q, R862Q, R931Q.
Identifiers: ClinVar variation 1315987 (VCV001315987.12), dbSNP rs371418382, ClinGen allele CA069037.